The following is an entry in ClinVar:

NM_001374504.1(TMPRSS6):c.2127C>T (p.Asn709=)

Gene: TMPRSS6 (transmembrane serine protease 6; minus strand). Cytogenetic location: 22q12.3.
Variant type: single nucleotide variant.
Coding change: c.2127C>T on transcript NM_001374504.1 (MANE Select); coding-DNA position 2127, C replaced by T.
Protein change: p.Asn709=; no amino-acid change (asparagine 709 retained).
Molecular consequence: synonymous variant.
Genome position (GRCh38, 1-based): chr22:37,066,949, G>A on the plus strand (C>T on the coding strand, the complement: TMPRSS6 is on the minus strand). VCF-style: chr22-37066949-G-A. GRCh37 (hg19) VCF-style: chr22-37462989-G-A.
Other names: p.Asn718=; c.2193C>T, p.Asn731= (NM_001289000.2); c.2127C>T, p.Asn709= (NM_001289001.2, NM_153609.4).
Identifiers: ClinVar variation 341578 (VCV000341578.13), dbSNP rs143878335, ClinGen allele CA10215321.

ClinVar aggregate classification (germline): Benign/Likely benign. Review status: criteria provided, multiple submitters, no conflicts (2 of 4 stars). 3 submissions from 3 submitters: Benign (2); Likely benign (1). Last evaluated 2025-11-26.

Conditions:
Microcytic anemia. Identifiers: MedGen C5194182, MONDO:0001245, HP:0001935. Disease mechanism: loss of function.

Allele frequency attached by ClinVar (database versions not stated): gnomAD exomes 0.00055 and 0.00193; gnomAD 0.00061 and 0.00096; TOPMed 0.00103; ExAC 0.00189; 1000 Genomes Project 30x 0.00562; 1000 Genomes Project 0.00639.
gnomAD v4.1: 1,031 of 1,614,142 alleles (0.064%); highest among the groups gnomAD compares: East Asian, 1.4%; 11 homozygotes.

Submissions (3):

Labcorp Genetics (formerly Invitae), Labcorp
Classification: Benign. Last evaluated: 2025-11-26. Review status: criteria provided, single submitter. Criteria: Invitae Variant Classification Sherloc (09022015). Collection method: clinical testing. Allele origin: germline.

Mayo Clinic Laboratories, Mayo Clinic
Classification: Likely benign. Last evaluated: 2024-11-26. Review status: criteria provided, single submitter. Criteria: ACMG Guidelines, 2015. Collection method: clinical testing. Allele origin: germline. Observed: 2 variant alleles.
Comment: BP4, BP7

Illumina Laboratory Services, Illumina
Classification: Benign for Iron-refractory iron deficiency anemia. Last evaluated: 2018-01-13. Review status: criteria provided, single submitter. Criteria: ICSL Variant Classification Criteria 13 December 2019. Collection method: clinical testing. Allele origin: germline.
Comment: This variant was observed in the ICSL laboratory as part of a predisposition screen in an ostensibly healthy population. It had not been previously curated by ICSL or reported in the Human Gene Mutation Database (HGMD: prior to June 1st, 2018), and was therefore a candidate for classification through an automated scoring system. Utilizing variant allele frequency, disease prevalence and penetrance estimates, and inheritance mode, an automated score was calculated to assess if this variant is too frequent to cause the disease. Based on the score and internal cut-off values, a variant classified as benign is not then subjected to further curation. The score for this variant resulted in a classification of benign for this disease.